The following is an entry in ClinVar:

ClinVar aggregate classification (germline): Uncertain significance. Review status: criteria provided, multiple submitters, no conflicts (2 of 4 stars). 2 submissions from 2 submitters: Uncertain significance (2). Last evaluated 2022-04-29.

Conditions:
GTP cyclohydrolase I deficiency. Identifiers: MedGen C0268467, MONDO:0100184.
Dystonia 5 (DRD). Also called: Dystonia, DOPA-responsive, with or without hyperphenylalaninemia; GTP Cyclohydrolase 1-Deficient Dopa-Responsive Dystonia; DYSTONIA, PROGRESSIVE, WITH DIURNAL VARIATION; DYSTONIA-PARKINSONISM WITH DIURNAL FLUCTUATION; DYT-GCH1. Identifiers: Orphanet 98808, MedGen C1851920, MONDO:0007495, OMIM 128230.

Allele frequency attached by ClinVar (database versions not stated): gnomAD exomes below 0.00001; TOPMed below 0.00001.

Submissions (2):

GeneDx
Classification: Uncertain significance. Last evaluated: 2022-04-29. Review status: criteria provided, single submitter. Criteria: GeneDx Variant Classification Process June 2021. Collection method: clinical testing. Allele origin: germline. Affected: yes.
Comment: Not observed at significant frequency in large population cohorts (gnomAD); In silico analysis supports that this missense variant has a deleterious effect on protein structure/function; Has not been previously published as pathogenic or benign to our knowledge

Labcorp Genetics (formerly Invitae), Labcorp
Classification: Uncertain significance for GTP cyclohydrolase I deficiency; Dystonia 5. Last evaluated: 2021-11-04. Review status: criteria provided, single submitter. Criteria: Invitae Variant Classification Sherloc (09022015). Collection method: clinical testing. Allele origin: germline.
Comment: In summary, the available evidence is currently insufficient to determine the role of this variant in disease. Therefore, it has been classified as a Variant of Uncertain Significance. Advanced modeling of protein sequence and biophysical properties (such as structural, functional, and spatial information, amino acid conservation, physicochemical variation, residue mobility, and thermodynamic stability) performed at Invitae indicates that this missense variant is not expected to disrupt GCH1 protein function. This variant has not been reported in the literature in individuals affected with GCH1-related conditions. This variant is present in population databases (no rsID available, gnomAD 0.003%). This sequence change replaces methionine, which is neutral and non-polar, with isoleucine, which is neutral and non-polar, at codon 140 of the GCH1 protein (p.Met140Ile).

NM_000161.3(GCH1):c.420G>A (p.Met140Ile)

Gene: GCH1 (GTP cyclohydrolase 1; minus strand). Cytogenetic location: 14q22.2.
Variant type: single nucleotide variant.
Coding change: c.420G>A on transcript NM_000161.3 (MANE Select); coding-DNA position 420, G replaced by A.
Protein change: p.Met140Ile; replaces methionine 140 with isoleucine.
Molecular consequence: missense variant.
Genome position (GRCh38, 1-based): chr14:54,865,360, C>T on the plus strand (G>A on the coding strand, the complement: GCH1 is on the minus strand). VCF-style: chr14-54865360-C-T. GRCh37 (hg19) VCF-style: chr14-55332078-C-T.
Other names: c.420G>A, p.Met140Ile (NM_001024024.2, NM_001024070.2, NM_001024071.2); short protein forms M140I.
Identifiers: ClinVar variation 1381363 (VCV001381363.7), dbSNP rs1360081603, ClinGen allele CA389790029.